The following is an entry in ClinVar:

ClinVar aggregate classification (germline): Uncertain significance (1 of 4 stars; one submission).

Allele frequency attached by ClinVar (database versions not stated): TOPMed 0.00001; ExAC 0.00002.
gnomAD v4.1: 25 of 1,612,086 alleles (0.0016%); highest among the groups gnomAD compares: Non-Finnish European, 0.0019%; no homozygotes.

Submission:

Ambry Genetics
Classification: Uncertain significance. Last evaluated: 2024-02-23. Review status: criteria provided, single submitter. Criteria: Ambry Variant Classification Scheme 2023. Collection method: clinical testing. Allele origin: germline.
Comment: The p.Y1498S variant (also known as c.4493A>C), located in coding exon 16 of the POLQ gene, results from an A to C substitution at nucleotide position 4493. The tyrosine at codon 1498 is replaced by serine, an amino acid with dissimilar properties. This amino acid position is conserved. In addition, this alteration is predicted to be tolerated by in silico analysis. Since supporting evidence is limited at this time, the clinical significance of this alteration remains unclear.

NM_199420.4(POLQ):c.4493A>C (p.Tyr1498Ser)

Gene: POLQ (DNA polymerase theta; minus strand). Cytogenetic location: 3q13.33.
Variant type: single nucleotide variant.
Coding change: c.4493A>C on transcript NM_199420.4 (MANE Select); coding-DNA position 4493, A replaced by C.
Protein change: p.Tyr1498Ser; replaces tyrosine 1498 with serine.
Molecular consequence: missense variant.
Genome position (GRCh38, 1-based): chr3:121,488,438, T>G on the plus strand (A>C on the coding strand, the complement: POLQ is on the minus strand). VCF-style: chr3-121488438-T-G. GRCh37 (hg19) VCF-style: chr3-121207285-T-G.
Other names: short protein forms Y1498S.
Identifiers: ClinVar variation 1740983 (VCV001740983.2), dbSNP rs746827388, ClinGen allele CA2562887.